The following is an entry in ClinVar:

NM_001378414.1(HDAC4):c.658G>A (p.Gly220Arg)

Gene: HDAC4 (histone deacetylase 4; minus strand). Cytogenetic location: 2q37.3.
Variant type: single nucleotide variant.
Coding change: c.658G>A on transcript NM_001378414.1 (MANE Select); coding-DNA position 658, G replaced by A.
Protein change: p.Gly220Arg; replaces glycine 220 with arginine.
Molecular consequence: missense variant.
Genome position (GRCh38, 1-based): chr2:239,156,727, C>T on the plus strand (G>A on the coding strand, the complement: HDAC4 is on the minus strand). VCF-style: chr2-239156727-C-T. GRCh37 (hg19) VCF-style: chr2-240078423-C-T.
Other names: c.658G>A, p.Gly220Arg (NM_001378415.1, NM_001378416.1, NM_001378417.1 and 1 more transcripts); short protein forms G220R.
Identifiers: ClinVar variation 703519 (VCV000703519.12), dbSNP rs143274079, ClinGen allele CA2200140.

ClinVar aggregate classification (germline): Benign/Likely benign. Review status: criteria provided, multiple submitters, no conflicts (2 of 4 stars). 3 submissions from 3 submitters: Benign (1); Likely benign (1). 1 of the submissions does not count toward it. Last evaluated 2025-03-16.

Conditions:
HDAC4-related disorder. Also called: HDAC4-related condition.

Allele frequency attached by ClinVar (database versions not stated): TOPMed 0.00028; ESP Exome Variant Server 0.00062; gnomAD 0.00063 and 0.00065; gnomAD exomes 0.00063 and 0.00092; ExAC 0.00087; 1000 Genomes Project 30x 0.00094; 1000 Genomes Project 0.00100.
gnomAD v4.1: 1,005 of 1,614,126 alleles (0.062%); highest among the groups gnomAD compares: East Asian, 0.047%; 3 homozygotes.

Submissions (3):

Labcorp Genetics (formerly Invitae), Labcorp
Classification: Benign. Last evaluated: 2025-03-16. Review status: criteria provided, single submitter. Criteria: Invitae Variant Classification Sherloc (09022015). Collection method: clinical testing. Allele origin: germline.

Blueprint Genetics
Classification: Likely benign. Last evaluated: 2024-04-18. Review status: criteria provided, single submitter. Criteria: ACMG Guidelines, 2015. Collection method: clinical testing. Allele origin: germline.

PreventionGenetics, part of Exact Sciences
Classification: Likely benign for HDAC4-related condition. Last evaluated: 2020-06-22. Review status: no assertion criteria provided. Collection method: clinical testing. Allele origin: germline. Not counted in ClinVar's aggregate classification.
Comment: This variant is classified as likely benign based on ACMG/AMP sequence variant interpretation guidelines (Richards et al. 2015 PMID: 25741868, with internal and published modifications).